The following is an entry in ClinVar:

NM_000484.4(APP):c.347G>A (p.Arg116His)

Gene: APP (amyloid beta precursor protein; minus strand). Cytogenetic location: 21q21.3.
Variant type: single nucleotide variant.
Coding change: c.347G>A on transcript NM_000484.4 (MANE Select); coding-DNA position 347, G replaced by A.
Protein change: p.Arg116His; replaces arginine 116 with histidine.
Molecular consequence: missense variant.
Genome position (GRCh38, 1-based): chr21:26,089,951, C>T on the plus strand (G>A on the coding strand, the complement: APP is on the minus strand). VCF-style: chr21-26089951-C-T. GRCh37 (hg19) VCF-style: chr21-27462267-C-T.
Other names: c.332G>A, p.Arg111His (NM_001136016.3); c.179G>A, p.Arg60His (NM_001136129.3, NM_001136130.3); c.242G>A, p.Arg81His (NM_001136131.3); c.347G>A, p.Arg116His (NM_001204301.2, NM_001204302.2, NM_001204303.2 and 3 more transcripts); short protein forms R111H, R116H, R60H, R81H.
Identifiers: ClinVar variation 994777 (VCV000994777.4), dbSNP rs2061787725, ClinGen allele CA409862478.

ClinVar aggregate classification (germline): Uncertain significance. Review status: criteria provided, multiple submitters, no conflicts (2 of 4 stars). 2 submissions from 2 submitters: Uncertain significance (2). Last evaluated 2023-08-14.

Conditions:
Alzheimer disease. Also called: Presenile and senile dementia; Alzheimer's disease. Identifiers: Orphanet 1020, MedGen C0002395, MeSH D000544, MONDO:0004975, HP:0002511.

gnomAD v4.1: 2 of 1,614,054 alleles (0.00012%); highest among the groups gnomAD compares: Non-Finnish European, 0.000085%; no homozygotes.

Submissions (2):

Labcorp Genetics (formerly Invitae), Labcorp
Classification: Uncertain significance for Alzheimer disease. Last evaluated: 2023-08-14. Review status: criteria provided, single submitter. Criteria: Invitae Variant Classification Sherloc (09022015). Collection method: clinical testing. Allele origin: germline.
Comment: This sequence change replaces arginine, which is basic and polar, with histidine, which is basic and polar, at codon 116 of the APP protein (p.Arg116His). This variant is not present in population databases (gnomAD no frequency). This variant has not been reported in the literature in individuals affected with APP-related conditions. ClinVar contains an entry for this variant (Variation ID: 994777). Advanced modeling of protein sequence and biophysical properties (such as structural, functional, and spatial information, amino acid conservation, physicochemical variation, residue mobility, and thermodynamic stability) performed at Invitae indicates that this missense variant is not expected to disrupt APP protein function. In summary, the available evidence is currently insufficient to determine the role of this variant in disease. Therefore, it has been classified as a Variant of Uncertain Significance.

Athena Diagnostics
Classification: Uncertain significance. Last evaluated: 2020-07-15. Review status: criteria provided, single submitter. Criteria: Athena Diagnostics Criteria. Collection method: clinical testing. Allele origin: unknown.